The following is an entry in ClinVar:

ClinVar aggregate classification (germline): Pathogenic/Likely pathogenic. Review status: criteria provided, multiple submitters, no conflicts (2 of 4 stars). 3 submissions from 3 submitters: Pathogenic (1); Likely pathogenic (1). 1 of the submissions does not count toward it. Last evaluated 2025-11-12.

Conditions:
Familial thoracic aortic aneurysm and aortic dissection (TAAD). Also called: Thoracic aortic aneurysms and dissections. Identifiers: Orphanet 91387, MedGen C4707243, MONDO:0019625.
Ehlers-Danlos syndrome, type 4 (EDSVASC). Also called: Ehlers-Danlos syndrome vascular type; Ehlers Danlos syndrome, ecchymotic type; Ehlers Danlos syndrome, arterial type; Ehlers Danlos syndrome, Sack-Barabas type; Ehlers-Danlos Syndrome Type IV. Identifiers: Orphanet 286, MedGen C0268338, MONDO:0017314, OMIM 130050.

Submissions (3):

Ambry Genetics
Classification: Likely pathogenic for Familial thoracic aortic aneurysm and aortic dissection. Last evaluated: 2025-11-12. Review status: criteria provided, single submitter. Criteria: Ambry Variant Classification Scheme 2023. Collection method: clinical testing. Allele origin: germline.
Comment: The p.G918E variant (also known as c.2753G>A), located in coding exon 39 of the COL3A1 gene, results from a G to A substitution at nucleotide position 2753. The glycine at codon 918 is replaced by glutamic acid, an amino acid with similar properties. The majority (approximately two-thirds) ofCOL3A1mutations identified to date have involved the substitution of another amino acid for glycine within the triple-helical domain (PepinMG et al.GenetMed.2014;16(12):881-8; Frank M et al.Eur J Hum Genet. 2015;23(12):1657-64). Internal structural analysis indicates that this alteration disrupts the characteristic G-X-Y motif in theCOL3A1protein and inserts a bulky side chain into asterically-constrainedregion (Bella J et al.Science.1994;266:75-81;HohenesterE et al.Proc. Natl.Acad. Sci. U.S.A.2008;105:18273-7; Ambry internal data). This variant was reported in individual(s) with features consistent with COL3A1-related Ehlers-Danlos syndrome (Pepin M et al. N Engl J Med, 2000 Mar;342:673-80; Guo R et al. Front Genet, 2022 Jun;13:910932). This variant is considered to be rare based on population cohorts in the Genome Aggregation Database (gnomAD). This amino acid position is highly conserved in available vertebrate species. In addition, this alteration is predicted to be deleterious by in silico analysis. Based on the majority of available evidence to date, this variant is likely to be pathogenic.

Labcorp Genetics (formerly Invitae), Labcorp
Classification: Pathogenic for Ehlers-Danlos syndrome, type 4. Last evaluated: 2022-06-22. Review status: criteria provided, single submitter. Criteria: Invitae Variant Classification Sherloc (09022015). Collection method: clinical testing. Allele origin: germline.
Comment: For these reasons, this variant has been classified as Pathogenic. This variant disrupts the triple helix domain of COL3A1. Glycine residues within the Gly-Xaa-Yaa repeats of the triple helix domain are required for the structure and stability of fibrillar collagens (PMID: 7695699, 8218237, 19344236). In COL3A1, variants that affect these glycine residues are significantly enriched in individuals with disease (PMID: 24922459, 25758994) compared to the general population (ExAC). Advanced modeling of protein sequence and biophysical properties (such as structural, functional, and spatial information, amino acid conservation, physicochemical variation, residue mobility, and thermodynamic stability) performed at Invitae indicates that this missense variant is expected to disrupt COL3A1 protein function. ClinVar contains an entry for this variant (Variation ID: 101407). This variant is also known as G751E. This missense change has been observed in individuals with clinical features of Ehlers-Danlos syndrome (PMID: 10706896; Invitae). This variant is not present in population databases (gnomAD no frequency). This sequence change replaces glycine, which is neutral and non-polar, with glutamic acid, which is acidic and polar, at codon 918 of the COL3A1 protein (p.Gly918Glu).

Collagen Diagnostic Laboratory, University of Washington
Classification: Pathogenic for Ehlers-Danlos syndrome, type 4. Review status: no assertion criteria provided. Collection method: clinical testing. Allele origin: germline. Affected: yes. Not counted in ClinVar's aggregate classification.

Literature cited by the submitters: PubMed 10706896 (cited by 3 submitters); PubMed 35754816 (cited by Ambry Genetics); PubMed 7695699 (cited by Labcorp Genetics (formerly Invitae), Labcorp); PubMed 8218237 (cited by Labcorp Genetics (formerly Invitae), Labcorp); PubMed 19344236 (cited by Labcorp Genetics (formerly Invitae), Labcorp); PubMed 24922459 (cited by Labcorp Genetics (formerly Invitae), Labcorp); PubMed 25758994 (cited by Labcorp Genetics (formerly Invitae), Labcorp).

NM_000090.4(COL3A1):c.2753G>A (p.Gly918Glu)

Gene: COL3A1 (collagen type III alpha 1 chain; plus strand). Cytogenetic location: 2q32.2.
Variant type: single nucleotide variant.
Coding change: c.2753G>A on transcript NM_000090.4 (MANE Select); coding-DNA position 2753, G replaced by A.
Protein change: p.Gly918Glu; replaces glycine 918 with glutamic acid.
Molecular consequence: missense variant.
Genome position (GRCh38, 1-based): chr2:189,004,073, G>A. VCF-style: chr2-189004073-G-A. GRCh37 (hg19) VCF-style: chr2-189868799-G-A.
Identifiers: ClinVar variation 101407 (VCV000101407.8), dbSNP rs587779662, ClinGen allele CA005646.